The following is an entry in ClinVar:

NM_001142966.3(GREB1L):c.5706C>T (p.Asp1902=)

Gene: GREB1L (GREB1 like retinoic acid receptor coactivator; plus strand). Cytogenetic location: 18q11.2.
Variant type: single nucleotide variant.
Coding change: c.5706C>T on transcript NM_001142966.3 (MANE Select); coding-DNA position 5706, C replaced by T.
Protein change: p.Asp1902=; no amino-acid change (aspartic acid 1902 retained).
Molecular consequence: synonymous variant.
Genome position (GRCh38, 1-based): chr18:21,522,755, C>T. VCF-style: chr18-21522755-C-T. GRCh37 (hg19) VCF-style: chr18-19102716-C-T.
Other names: c.5835C>T, p.Asp1945= (NM_001410867.1); c.5379C>T, p.Asp1793= (NM_001410868.1); c.5706C>T (NM_001142966.1).
Identifiers: ClinVar variation 2057056 (VCV002057056.5), dbSNP rs368799167, ClinGen allele CA296938558.

ClinVar aggregate classification (germline): Likely benign. Review status: criteria provided, multiple submitters, no conflicts (2 of 4 stars). 2 submissions from 2 submitters: Likely benign (2). Last evaluated 2026-03-11.

Conditions:
GREB1L-related disorder. Also called: GREB1L-related condition.

Allele frequency attached by ClinVar (database versions not stated): gnomAD 0.00001; gnomAD exomes 0.00001; ESP Exome Variant Server 0.00022.
gnomAD v4.1: 14 of 1,551,506 alleles (0.0009%); highest among the groups gnomAD compares: Middle Eastern, 0.017%; no homozygotes.

Submissions (2):

PreventionGenetics, part of Exact Sciences
Classification: Likely benign for GREB1L-related condition. Last evaluated: 2026-03-11. Review status: criteria provided, single submitter. Criteria: ACMG Guidelines, 2015. Collection method: clinical testing. Allele origin: germline.
Comment: This variant is classified as likely benign based on ACMG/AMP sequence variant interpretation guidelines (Richards et al. 2015 PMID: 25741868, with internal and published modifications).

Labcorp Genetics (formerly Invitae), Labcorp
Classification: Likely benign. Last evaluated: 2025-12-03. Review status: criteria provided, single submitter. Criteria: Invitae Variant Classification Sherloc (09022015). Collection method: clinical testing. Allele origin: germline.